The following is an entry in ClinVar:

ClinVar aggregate classification (germline): Uncertain significance (1 of 4 stars; one submission).

Allele frequency attached by ClinVar (database versions not stated): ExAC 0.00001; gnomAD 0.00002; gnomAD exomes 0.00002 and 0.00006; TOPMed 0.00004.
gnomAD v4.1: 91 of 1,614,010 alleles (0.0056%); highest among the groups gnomAD compares: Admixed American, 0.0083%; no homozygotes.

Submission:

Labcorp Genetics (formerly Invitae), Labcorp
Classification: Uncertain significance. Last evaluated: 2025-04-28. Review status: criteria provided, single submitter. Criteria: Invitae Variant Classification Sherloc (09022015). Collection method: clinical testing. Allele origin: germline.
Comment: This sequence change replaces glutamic acid, which is acidic and polar, with aspartic acid, which is acidic and polar, at codon 552 of the RBBP8 protein (p.Glu552Asp). This variant is present in population databases (rs778597655, gnomAD 0.009%). This variant has not been reported in the literature in individuals affected with RBBP8-related conditions. ClinVar contains an entry for this variant (Variation ID: 1505956). Invitae Evidence Modeling of protein sequence and biophysical properties (such as structural, functional, and spatial information, amino acid conservation, physicochemical variation, residue mobility, and thermodynamic stability) indicates that this missense variant is not expected to disrupt RBBP8 protein function with a negative predictive value of 80%. In summary, the available evidence is currently insufficient to determine the role of this variant in disease. Therefore, it has been classified as a Variant of Uncertain Significance.

NM_002894.3(RBBP8):c.1656G>T (p.Glu552Asp)

Gene: RBBP8 (RB binding protein 8, endonuclease; plus strand). Cytogenetic location: 18q11.2.
Variant type: single nucleotide variant.
Coding change: c.1656G>T on transcript NM_002894.3 (MANE Select); coding-DNA position 1656, G replaced by T.
Protein change: p.Glu552Asp; replaces glutamic acid 552 with aspartic acid.
Molecular consequence: missense variant.
Genome position (GRCh38, 1-based): chr18:22,993,483, G>T. VCF-style: chr18-22993483-G-T. GRCh37 (hg19) VCF-style: chr18-20573446-G-T.
Other names: c.1656G>T, p.Glu552Asp (NM_203291.2, NM_203292.2); short protein forms E552D.
Identifiers: ClinVar variation 1505956 (VCV001505956.6), dbSNP rs778597655, ClinGen allele CA8910109.